The following is an entry in ClinVar:

NM_001903.5(CTNNA1):c.732A>G (p.Ile244Met)

Gene: CTNNA1 (catenin alpha 1; plus strand). Cytogenetic location: 5q31.2.
Variant type: single nucleotide variant.
Coding change: c.732A>G on transcript NM_001903.5 (MANE Select); coding-DNA position 732, A replaced by G.
Protein change: p.Ile244Met; replaces isoleucine 244 with methionine.
Molecular consequence: missense variant.
Genome position (GRCh38, 1-based): chr5:138,824,673, A>G. VCF-style: chr5-138824673-A-G. GRCh37 (hg19) VCF-style: chr5-138160362-A-G.
Other names: c.732A>G, p.Ile244Met (NM_001290307.3, NM_001323982.2, NM_001323983.1 and 3 more transcripts); c.423A>G, p.Ile141Met (NM_001290309.3); c.363A>G, p.Ile121Met (NM_001290310.3); c.732A>G (NM_001903.2); short protein forms I121M, I141M, I244M.
Identifiers: ClinVar variation 1027226 (VCV001027226.9), dbSNP rs201899693, ClinGen allele CA361129883.

ClinVar aggregate classification (germline): Uncertain significance. Review status: criteria provided, multiple submitters, no conflicts (2 of 4 stars). 2 submissions from 2 submitters: Uncertain significance (2). Last evaluated 2025-01-13.

Conditions:
Hereditary cancer-predisposing syndrome. Also called: Neoplastic Syndromes, Hereditary; Tumor predisposition; Hereditary Cancer Syndrome; Hereditary neoplastic syndrome. Identifiers: Orphanet 140162, MedGen C0027672, MeSH D009386, MONDO:0015356.

gnomAD v4.1: 1 of 1,614,226 alleles (0.000062%); highest among the groups gnomAD compares: East Asian, 0.0022%; no homozygotes.

Submissions (2):

Ambry Genetics
Classification: Uncertain significance for Hereditary cancer-predisposing syndrome. Last evaluated: 2025-01-13. Review status: criteria provided, single submitter. Criteria: Ambry Variant Classification Scheme 2023. Collection method: clinical testing. Allele origin: germline.
Comment: The p.I244M variant (also known as c.732A>G), located in coding exon 5 of the CTNNA1 gene, results from an A to G substitution at nucleotide position 732. The isoleucine at codon 244 is replaced by methionine, an amino acid with highly similar properties. This amino acid position is conserved. In addition, this alteration is predicted to be tolerated by in silico analysis. Based on the available evidence, the clinical significance of this variant remains unclear.

Labcorp Genetics (formerly Invitae), Labcorp
Classification: Uncertain significance. Last evaluated: 2020-05-13. Review status: criteria provided, single submitter. Criteria: Invitae Variant Classification Sherloc (09022015). Collection method: clinical testing. Allele origin: germline.
Comment: In summary, the available evidence is currently insufficient to determine the role of this variant in disease. Therefore, it has been classified as a Variant of Uncertain Significance. Algorithms developed to predict the effect of missense changes on protein structure and function are either unavailable or do not agree on the potential impact of this missense change (SIFT: "Deleterious"; PolyPhen-2: "Possibly Damaging"; Align-GVGD: "Class C0"). This variant has not been reported in the literature in individuals with CTNNA1-related conditions. This variant is not present in population databases (ExAC no frequency). This sequence change replaces isoleucine with methionine at codon 244 of the CTNNA1 protein (p.Ile244Met). The isoleucine residue is highly conserved and there is a small physicochemical difference between isoleucine and methionine.